The following is an entry in ClinVar:

ClinVar aggregate classification (germline): Benign/Likely benign. Review status: criteria provided, multiple submitters, no conflicts (2 of 4 stars). 4 submissions from 4 submitters: Benign (2); Likely benign (1). 1 of the submissions does not count toward it. Last evaluated 2026-02-01.

Conditions:
PRPF31-related disorder. Also called: PRPF31-related condition.
Retinitis pigmentosa 11 (RP11). Identifiers: Orphanet 791, MedGen C1838601, MONDO:0010828, OMIM 600138.
Retinitis pigmentosa (RP). Identifiers: Orphanet 791, MedGen C0035334, MeSH D012174, MONDO:0019200, OMIM 268000. Inheritance: Autosomal dominant, autosomal recessive and X linked inheritance.

Allele frequency attached by ClinVar (database versions not stated): 1000 Genomes Project 0.00639; 1000 Genomes Project 30x 0.00687; gnomAD 0.00723 and 0.00780; ESP Exome Variant Server 0.00746; TOPMed 0.00819.
gnomAD v4.1: 2,091 of 1,612,130 alleles (0.13%); highest among the groups gnomAD compares: African/African-American, 2.5%; 25 homozygotes.

Submissions (4):

Labcorp Genetics (formerly Invitae), Labcorp
Classification: Benign. Last evaluated: 2026-02-01. Review status: criteria provided, single submitter. Criteria: Invitae Variant Classification Sherloc (09022015). Collection method: clinical testing. Allele origin: germline.

Fulgent Genetics
Classification: Likely benign for Retinitis pigmentosa 11. Last evaluated: 2021-09-27. Review status: criteria provided, single submitter. Criteria: ACMG Guidelines, 2015. Collection method: clinical testing. Allele origin: unknown.

Illumina Laboratory Services, Illumina
Classification: Benign for Retinitis pigmentosa. Last evaluated: 2018-01-13. Review status: criteria provided, single submitter. Criteria: ICSL Variant Classification Criteria 13 December 2019. Collection method: clinical testing. Allele origin: germline.
Comment: This variant was observed in the ICSL laboratory as part of a predisposition screen in an ostensibly healthy population. It had not been previously curated by ICSL or reported in the Human Gene Mutation Database (HGMD: prior to June 1st, 2018), and was therefore a candidate for classification through an automated scoring system. Utilizing variant allele frequency, disease prevalence and penetrance estimates, and inheritance mode, an automated score was calculated to assess if this variant is too frequent to cause the disease. Based on the score and internal cut-off values, a variant classified as benign is not then subjected to further curation. The score for this variant resulted in a classification of benign for this disease.

PreventionGenetics, part of Exact Sciences
Classification: Benign for PRPF31-related condition. Last evaluated: 2019-07-03. Review status: no assertion criteria provided. Collection method: clinical testing. Allele origin: germline. Not counted in ClinVar's aggregate classification.
Comment: This variant is classified as benign based on ACMG/AMP sequence variant interpretation guidelines (Richards et al. 2015 PMID: 25741868, with internal and published modifications).

NM_015629.4(PRPF31):c.420+7G>A

Genes: PRPF31 (pre-mRNA processing factor 31; plus strand), PRPF31-AS1 (PRPF31 antisense RNA 1; minus strand). Cytogenetic location: 19q13.42.
Variant type: single nucleotide variant.
Coding change: c.420+7G>A on transcript NM_015629.4 (MANE Select); 7 bases into the intron after coding-DNA position 420, G replaced by A.
Molecular consequence: intron variant.
Genome position (GRCh38, 1-based): chr19:54,122,601, G>A. VCF-style: chr19-54122601-G-A. GRCh37 (hg19) VCF-style: chr19-54625980-G-A.
Identifiers: ClinVar variation 330097 (VCV000330097.16), dbSNP rs143717956, ClinGen allele CA309324049.
Genomic context (GRCh38, chr19:54,122,601, plus strand): 5'-CCTGAACTGGAGTCCTTGGTCCCCAATGCACTGGATTACATCCGCACGGTCAAGGTGAGC[G>A]CAGAGAAGGTGGGGTGCTTCTGCTGGCGTGAAGGGGCAGGCGGGGCTCACTCTCGGACCC-3'